The following is an entry in ClinVar:

ClinVar aggregate classification (germline): Uncertain significance (1 of 4 stars; one submission).

Conditions:
Neuronopathy, distal hereditary motor, autosomal recessive 4. Also called: Autosomal recessive lower motor neuron disease with childhood onset; NEUROPATHY, DISTAL HEREDITARY MOTOR, AUTOSOMAL RECESSIVE 4. Identifiers: Orphanet 206580, MedGen C1970211, MONDO:0012608, OMIM 611067.
Charcot-Marie-Tooth disease recessive intermediate C. Also called: CHARCOT-MARIE-TOOTH NEUROPATHY, RECESSIVE INTERMEDIATE C. Identifiers: Orphanet 369867, MedGen C3809309, MONDO:0014154, OMIM 615376.

gnomAD v4.1: 1 of 1,613,950 alleles (0.000062%); highest among the groups gnomAD compares: Non-Finnish European, 0.000085%; no homozygotes.

Submission:

Labcorp Genetics (formerly Invitae), Labcorp
Classification: Uncertain significance for Neuronopathy, distal hereditary motor, autosomal recessive 4; Charcot-Marie-Tooth disease recessive intermediate C. Last evaluated: 2020-02-10. Review status: criteria provided, single submitter. Criteria: Invitae Variant Classification Sherloc (09022015). Collection method: clinical testing. Allele origin: germline.
Comment: This variant is not present in population databases (ExAC no frequency). This sequence change replaces glycine with arginine at codon 139 of the PLEKHG5 protein (p.Gly139Arg). The glycine residue is moderately conserved and there is a moderate physicochemical difference between glycine and arginine. This variant has not been reported in the literature in individuals with PLEKHG5-related conditions. ClinVar contains an entry for this variant (Variation ID: 578542). In summary, the available evidence is currently insufficient to determine the role of this variant in disease. Therefore, it has been classified as a Variant of Uncertain Significance. Algorithms developed to predict the effect of missense changes on protein structure and function are either unavailable or do not agree on the potential impact of this missense change (SIFT: "Deleterious"; PolyPhen-2: "Probably Damaging"; Align-GVGD: "Class C0").

NM_020631.6(PLEKHG5):c.415G>C (p.Gly139Arg)

Gene: PLEKHG5 (pleckstrin homology and RhoGEF domain containing G5; minus strand). Cytogenetic location: 1p36.31.
Variant type: single nucleotide variant.
Coding change: c.415G>C on transcript NM_020631.6 (MANE Select); coding-DNA position 415, G replaced by C.
Protein change: p.Gly139Arg; replaces glycine 139 with arginine.
Molecular consequence: missense variant.
Genome position (GRCh38, 1-based): chr1:6,474,475, C>G on the plus strand (G>C on the coding strand, the complement: PLEKHG5 is on the minus strand). VCF-style: chr1-6474475-C-G. GRCh37 (hg19) VCF-style: chr1-6534535-C-G.
Other names: c.526G>C, p.Gly176Arg (NM_001042663.3, NM_001265592.2); c.415G>C, p.Gly139Arg (NM_001042664.2, NM_001042665.2, NM_001265594.3 and 1 more transcripts); c.622G>C, p.Gly208Arg (NM_001265593.2); short protein forms G139R, G208R, G176R.
Identifiers: ClinVar variation 578542 (VCV000578542.11), dbSNP rs769529781, ClinGen allele CA338139109.